The following is an entry in ClinVar:

ClinVar aggregate classification (germline): Uncertain significance (1 of 4 stars; one submission).

gnomAD v4.1: 1 of 1,607,484 alleles (0.000062%); highest among the groups gnomAD compares: Non-Finnish European, 0.000085%; no homozygotes.

Submission:

GeneDx
Classification: Uncertain significance. Last evaluated: 2022-03-31. Review status: criteria provided, single submitter. Criteria: GeneDx Variant Classification Process June 2021. Collection method: clinical testing. Allele origin: germline. Affected: yes.
Comment: Not observed at significant frequency in large population cohorts (gnomAD); In silico analysis supports that this missense variant does not alter protein structure/function; Has not been previously published as pathogenic or benign to our knowledge

NM_032119.4(ADGRV1):c.7087G>C (p.Glu2363Gln)

Gene: ADGRV1 (adhesion G protein-coupled receptor V1; plus strand). Cytogenetic location: 5q14.3.
Variant type: single nucleotide variant.
Coding change: c.7087G>C on transcript NM_032119.4 (MANE Select); coding-DNA position 7087, G replaced by C.
Protein change: p.Glu2363Gln; replaces glutamic acid 2363 with glutamine.
Molecular consequence: missense variant. On other transcripts: non-coding transcript variant (1).
Genome position (GRCh38, 1-based): chr5:90,692,740, G>C. VCF-style: chr5-90692740-G-C. GRCh37 (hg19) VCF-style: chr5-89988557-G-C.
Other names: short protein forms E2363Q.
Identifiers: ClinVar variation 1707801 (VCV001707801.2), dbSNP rs2530930185, ClinGen allele CA360371732.